The following is an entry in ClinVar:

ClinVar aggregate classification (germline): Uncertain significance (1 of 4 stars; one submission).

Conditions:
CHARGE syndrome (CHARGE). Also called: Hittner Hirsch Kreh syndrome; CHARGE ASSOCIATION--COLOBOMA, HEART ANOMALY, CHOANAL ATRESIA, RETARDATION, GENITAL AND EAR ANOMALIES; Coloboma, heart anomaly, choanal atresia, retardation, genital and ear anomalies; CHARGE association; Hall-Hittner syndrome. Identifiers: Orphanet 138, MedGen C0265354, MONDO:0008965.

Allele frequency attached by ClinVar (database versions not stated): TOPMed below 0.00001.
gnomAD v4.1: 7 of 1,613,870 alleles (0.00043%); highest among the groups gnomAD compares: African/African-American, 0.0013%; no homozygotes.

Submission:

Labcorp Genetics (formerly Invitae), Labcorp
Classification: Uncertain significance for CHARGE syndrome. Last evaluated: 2022-09-27. Review status: criteria provided, single submitter. Criteria: Invitae Variant Classification Sherloc (09022015). Collection method: clinical testing. Allele origin: germline.
Comment: In summary, the available evidence is currently insufficient to determine the role of this variant in disease. Therefore, it has been classified as a Variant of Uncertain Significance. Advanced modeling of protein sequence and biophysical properties (such as structural, functional, and spatial information, amino acid conservation, physicochemical variation, residue mobility, and thermodynamic stability) performed at Invitae indicates that this missense variant is not expected to disrupt SEMA3E protein function. This variant has not been reported in the literature in individuals affected with SEMA3E-related conditions. This variant is not present in population databases (gnomAD no frequency). This sequence change replaces isoleucine, which is neutral and non-polar, with valine, which is neutral and non-polar, at codon 145 of the SEMA3E protein (p.Ile145Val).

NM_012431.3(SEMA3E):c.433A>G (p.Ile145Val)

Gene: SEMA3E (semaphorin 3E; minus strand). Cytogenetic location: 7q21.11.
Variant type: single nucleotide variant.
Coding change: c.433A>G on transcript NM_012431.3 (MANE Select); coding-DNA position 433, A replaced by G.
Protein change: p.Ile145Val; replaces isoleucine 145 with valine.
Molecular consequence: missense variant.
Genome position (GRCh38, 1-based): chr7:83,466,505, T>C on the plus strand (A>G on the coding strand, the complement: SEMA3E is on the minus strand). VCF-style: chr7-83466505-T-C. GRCh37 (hg19) VCF-style: chr7-83095821-T-C.
Other names: c.253A>G, p.Ile85Val (NM_001178129.2); short protein forms I145V, I85V.
Identifiers: ClinVar variation 1981847 (VCV001981847.4), dbSNP rs1349406507, ClinGen allele CA367935591.
Genomic context (GRCh38, chr7:83,466,505, plus strand): 5'-ATTGTTTTTATTGACAGCAATGAATGAAACATCTTACCTCCAAATGATATCCAACTCTGA[T>C]GAAGGCACAAACTGGATCAAAAGCTCCAGTACCACAGGTCAGAAGGTGTGTCCTGTTATA-3'
Protein context (NP_036563.1, residues 135-155): TGAFDPVCAF[Ile145Val]RVGYHLEDPL